The following is an entry in ClinVar:

NM_000256.3(MYBPC3):c.2797G>C (p.Asp933His)

Gene: MYBPC3 (myosin binding protein C3; minus strand). Cytogenetic location: 11p11.2.
Variant type: single nucleotide variant.
Coding change: c.2797G>C on transcript NM_000256.3 (MANE Select); coding-DNA position 2797, G replaced by C.
Protein change: p.Asp933His; replaces aspartic acid 933 with histidine.
Molecular consequence: missense variant.
Genome position (GRCh38, 1-based): chr11:47,335,150, C>G on the plus strand (G>C on the coding strand, the complement: MYBPC3 is on the minus strand). VCF-style: chr11-47335150-C-G. GRCh37 (hg19) VCF-style: chr11-47356701-C-G.
Other names: c.2797G>C, p.Asp933His (LRG_386t1); short protein forms D933H.
Identifiers: ClinVar variation 454321 (VCV000454321.8), dbSNP rs975739535, ClinGen allele CA221683797.

ClinVar aggregate classification (germline): Uncertain significance (1 of 4 stars; one submission).

Conditions:
Hypertrophic cardiomyopathy. Also called: HYPERTROPHIC MYOCARDIOPATHY. Identifiers: Orphanet 217569, MedGen C0007194, MeSH D002312, MONDO:0005045, HP:0001639.

Submission:

Labcorp Genetics (formerly Invitae), Labcorp
Classification: Uncertain significance for Hypertrophic cardiomyopathy. Last evaluated: 2024-05-06. Review status: criteria provided, single submitter. Criteria: Invitae Variant Classification Sherloc (09022015). Collection method: clinical testing. Allele origin: germline.
Comment: This sequence change replaces aspartic acid, which is acidic and polar, with histidine, which is basic and polar, at codon 933 of the MYBPC3 protein (p.Asp933His). This variant is not present in population databases (gnomAD no frequency). This variant has not been reported in the literature in individuals affected with MYBPC3-related conditions. ClinVar contains an entry for this variant (Variation ID: 454321). An algorithm developed specifically for the MYBPC3 gene suggests that this missense change is likely to be tolerated (PMID: 21310275). In summary, the available evidence is currently insufficient to determine the role of this variant in disease. Therefore, it has been classified as a Variant of Uncertain Significance.

Literature cited by the submitters: PubMed 21310275.